The following is an entry in ClinVar:

ClinVar aggregate classification (germline): Conflicting classifications of pathogenicity. Review status: criteria provided, conflicting classifications (1 of 4 stars). 3 submissions from 3 submitters: Uncertain significance (2); Likely benign (1). Last evaluated 2026-04-24.

Conditions:
CDHR1-related disorder. Also called: CDHR1-related condition.

Allele frequency attached by ClinVar (database versions not stated): ESP Exome Variant Server 0.00008; TOPMed 0.00022; 1000 Genomes Project 30x 0.00094; 1000 Genomes Project 0.00100.
gnomAD v4.1: 235 of 1,614,152 alleles (0.015%); highest among the groups gnomAD compares: Middle Eastern, 0.099%; 2 homozygotes.

Submissions (3):

PreventionGenetics, part of Exact Sciences
Classification: Uncertain significance for CDHR1-related condition. Last evaluated: 2026-04-24. Review status: criteria provided, single submitter. Criteria: ACMG Guidelines, 2015. Collection method: clinical testing. Allele origin: germline.
Comment: The CDHR1 c.1354T>C variant is predicted to result in the amino acid substitution p.Phe452Leu. To our knowledge, this variant has not been reported in the literature. This variant is reported in 0.056% of alleles in individuals of Latino descent in gnomAD. Although we suspect that this variant may be benign, at this time, the clinical significance of this variant is uncertain due to the absence of conclusive functional and genetic evidence.

Labcorp Genetics (formerly Invitae), Labcorp
Classification: Likely benign. Last evaluated: 2026-01-21. Review status: criteria provided, single submitter. Criteria: Invitae Variant Classification Sherloc (09022015). Collection method: clinical testing. Allele origin: germline.

Blueprint Genetics
Classification: Uncertain significance. Last evaluated: 2024-09-16. Review status: criteria provided, single submitter. Criteria: ACMG Guidelines, 2015. Collection method: clinical testing. Allele origin: germline.

NM_033100.4(CDHR1):c.1354T>C (p.Phe452Leu)

Gene: CDHR1 (cadherin related family member 1; plus strand). Cytogenetic location: 10q23.1.
Variant type: single nucleotide variant.
Coding change: c.1354T>C on transcript NM_033100.4 (MANE Select); coding-DNA position 1354, T replaced by C.
Protein change: p.Phe452Leu; replaces phenylalanine 452 with leucine.
Molecular consequence: missense variant.
Genome position (GRCh38, 1-based): chr10:84,211,034, T>C. VCF-style: chr10-84211034-T-C. GRCh37 (hg19) VCF-style: chr10-85970790-T-C.
Other names: c.1354T>C, p.Phe452Leu (NM_001171971.3); short protein forms F452L.
Identifiers: ClinVar variation 833694 (VCV000833694.11), dbSNP rs112631930, ClinGen allele CA5579917.